The following is an entry in ClinVar:

NM_001040142.2(SCN2A):c.4919T>C (p.Ile1640Thr)

Gene: SCN2A (sodium voltage-gated channel alpha subunit 2; plus strand). Cytogenetic location: 2q24.3.
Variant type: single nucleotide variant.
Coding change: c.4919T>C on transcript NM_001040142.2 (MANE Select); coding-DNA position 4919, T replaced by C.
Protein change: p.Ile1640Thr; replaces isoleucine 1640 with threonine.
Molecular consequence: missense variant.
Genome position (GRCh38, 1-based): chr2:165,388,725, T>C. VCF-style: chr2-165388725-T-C. GRCh37 (hg19) VCF-style: chr2-166245235-T-C.
Other names: c.4919T>C, p.Ile1640Thr (NM_001040143.2, NM_001371246.1, NM_001371247.1 and 1 more transcripts); short protein forms I1640T.
Identifiers: ClinVar variation 4854914 (VCV004854914.1).

ClinVar aggregate classification (germline): Uncertain significance (1 of 4 stars; one submission).

Conditions:
Developmental and epileptic encephalopathy, 11 (DEE11). Also called: Early infantile epileptic encephalopathy 11. Identifiers: Orphanet 1934, MedGen C3150987, MONDO:0013388, OMIM 613721.

Submission:

3billion
Classification: Uncertain significance for Developmental and epileptic encephalopathy, 11. Last evaluated: 2025-08-24. Review status: criteria provided, single submitter. Criteria: ACMG Guidelines, 2015. Collection method: clinical testing. Allele origin: germline. Affected: yes.
Comment: The variant is not observed in the gnomAD v4.1.0 dataset. Predicted Consequence/Location: Missense variant In silico tool predictions suggest damaging effect of the variant on gene or gene product [REVEL: 0.97 (>=0.6, sensitivity 0.68 and specificity 0.92); 3Cnet: 0.95 (> 0.75, sensitivity 0.96 and precision 0.92)]. Different missense changes at the same codon (p.Ile1640Leu, p.Ile1640Phe, p.Ile1640Ser) have been reported as pathogenic/likely pathogenic with strong evidence (ClinVar ID: VCV000835364, VCV002020237 /PMID: 28379373, 30619928). Therefore, this variant is classified as VUS according to the recommendation of ACMG/AMP guideline.

Literature cited by the submitters: PubMed 28379373.